The following is an entry in ClinVar:

ClinVar aggregate classification (germline): Uncertain significance. Review status: criteria provided, multiple submitters, no conflicts (2 of 4 stars). 4 submissions from 4 submitters: Uncertain significance (3). 1 of the submissions does not count toward it. Last evaluated 2026-04-06.

Conditions:
RHO-related disorder. Also called: RHO-related condition.
Retinitis pigmentosa 4 (RP4). Also called: RETINITIS PIGMENTOSA, RHODOPSIN-RELATED. Identifiers: Orphanet 791, MedGen C3151001, MONDO:0013395, OMIM 613731.

Allele frequency attached by ClinVar (database versions not stated): TOPMed 0.00002.
gnomAD v4.1: 25 of 1,614,062 alleles (0.0015%); highest among the groups gnomAD compares: South Asian, 0.0033%; no homozygotes.

Submissions (4):

PreventionGenetics, part of Exact Sciences
Classification: Uncertain significance for RHO-related condition. Last evaluated: 2026-04-06. Review status: criteria provided, single submitter. Criteria: ACMG Guidelines, 2015. Collection method: clinical testing. Allele origin: germline.
Comment: The RHO c.755G>A variant is predicted to result in the amino acid substitution p.Arg252His. To our knowledge, this variant has not been reported in the literature. Variants impacting the same amino acid (c.754C>T, p.Arg252Cys and c.755G>C, p.Arg252Pro) have been reported in an individual with retinitis pigmentosa (for example, Supplementary table, Tracewska et al. 2021. PubMed ID: 34321860; Wan et al. 2019. PubMed ID: 30977563). This variant is reported in 0.019% of alleles in individuals of Ashkenazi Jewish descent in gnomAD. At this time, the clinical significance of this variant is uncertain due to the absence of conclusive functional and genetic evidence.

Labcorp Genetics (formerly Invitae), Labcorp
Classification: Uncertain significance. Last evaluated: 2022-09-13. Review status: criteria provided, single submitter. Criteria: Invitae Variant Classification Sherloc (09022015). Collection method: clinical testing. Allele origin: germline.
Comment: This sequence change replaces arginine, which is basic and polar, with histidine, which is basic and polar, at codon 252 of the RHO protein (p.Arg252His). This variant is present in population databases (rs765438313, gnomAD 0.01%). This variant has not been reported in the literature in individuals affected with RHO-related conditions. ClinVar contains an entry for this variant (Variation ID: 625304). Advanced modeling of protein sequence and biophysical properties (such as structural, functional, and spatial information, amino acid conservation, physicochemical variation, residue mobility, and thermodynamic stability) performed at Invitae indicates that this missense variant is expected to disrupt RHO protein function. In summary, the available evidence is currently insufficient to determine the role of this variant in disease. Therefore, it has been classified as a Variant of Uncertain Significance.

Blueprint Genetics
Classification: Uncertain significance. Last evaluated: 2021-04-16. Review status: criteria provided, single submitter. Criteria: ACMG Guidelines, 2015. Collection method: clinical testing. Allele origin: germline.

Ocular Genomics Institute, Massachusetts Eye and Ear
Classification: Uncertain significance for Retinitis pigmentosa 4. Last evaluated: 2019-01-09. Review status: no assertion criteria provided. Collection method: research. Allele origin: germline. Affected: yes. Not counted in ClinVar's aggregate classification.

NM_000539.3(RHO):c.755G>A (p.Arg252His)

Gene: RHO (rhodopsin; plus strand). Cytogenetic location: 3q22.1.
Variant type: single nucleotide variant.
Coding change: c.755G>A on transcript NM_000539.3 (MANE Select); coding-DNA position 755, G replaced by A.
Protein change: p.Arg252His; replaces arginine 252 with histidine.
Molecular consequence: missense variant.
Genome position (GRCh38, 1-based): chr3:129,532,591, G>A. VCF-style: chr3-129532591-G-A. GRCh37 (hg19) VCF-style: chr3-129251434-G-A.
Other names: short protein forms R252H.
Identifiers: ClinVar variation 625304 (VCV000625304.8), dbSNP rs765438313, ClinGen allele CA2607282.
Genomic context (GRCh38, chr3:129,532,591, plus strand): 5'-AGGCCGCTGCCCAGCAGCAGGAGTCAGCCACCACACAGAAGGCAGAGAAGGAGGTCACCC[G>A]CATGGTCATCATCATGGTCATCGCTTTCCTGATCTGCTGGGTGCCCTACGCCAGCGTGGC-3'
Protein context (NP_000530.1, residues 242-262): TTQKAEKEVT[Arg252His]MVIIMVIAFL